The following is an entry in ClinVar:

ClinVar aggregate classification (germline): Pathogenic (1 of 4 stars; one submission).

Submission:

Labcorp Genetics (formerly Invitae), Labcorp
Classification: Pathogenic. Last evaluated: 2023-01-28. Review status: criteria provided, single submitter. Criteria: Invitae Variant Classification Sherloc (09022015). Collection method: clinical testing. Allele origin: germline.
Comment: This sequence change creates a premature translational stop signal (p.Tyr473Leufs*6) in the UBR1 gene. It is expected to result in an absent or disrupted protein product. Loss-of-function variants in UBR1 are known to be pathogenic (PMID: 24599544). This variant is not present in population databases (gnomAD no frequency). This variant has not been reported in the literature in individuals affected with UBR1-related conditions. For these reasons, this variant has been classified as Pathogenic.

Literature cited by the submitters: PubMed 24599544.

NM_174916.3(UBR1):c.1417dup (p.Tyr473fs)

Gene: UBR1 (ubiquitin protein ligase E3 component n-recognin 1; minus strand). Cytogenetic location: 15q15.2.
Variant type: Duplication.
Coding change: c.1417dup on transcript NM_174916.3 (MANE Select); coding-DNA position 1417, one base duplicated (T; older notation c.1417dupT).
Protein change: p.Tyr473fs; shifts the reading frame from tyrosine 473.
Molecular consequence: frameshift variant.
Genome position (GRCh38, 1-based): chr15:43,054,764, A duplicated on the plus strand (T on the coding strand, the reverse complement: UBR1 is on the minus strand). VCF-style (leftmost placement, unchanged base first): chr15-43054763-T-TA. GRCh37 (hg19) VCF-style: chr15-43346961-T-TA.
Other names: short protein forms Y473fs.
Identifiers: ClinVar variation 2832497 (VCV002832497.3), dbSNP rs2543005572, ClinGen allele CA2739279676.